The following is an entry in ClinVar:

NM_005465.7(AKT3):c.792C>A (p.Ser264=)

Gene: AKT3 (AKT serine/threonine kinase 3; minus strand). Cytogenetic location: 1q44.
Variant type: single nucleotide variant.
Coding change: c.792C>A on transcript NM_005465.7 (MANE Select); coding-DNA position 792, C replaced by A.
Protein change: p.Ser264=; no amino-acid change (serine 264 retained).
Molecular consequence: synonymous variant.
Genome position (GRCh38, 1-based): chr1:243,572,953, G>T on the plus strand (C>A on the coding strand, the complement: AKT3 is on the minus strand). VCF-style: chr1-243572953-G-T. GRCh37 (hg19) VCF-style: chr1-243736255-G-T.
Other names: c.792C>A, p.Ser264= (NM_001206729.2, NM_001370074.1, NM_181690.2).
Identifiers: ClinVar variation 4985148 (VCV004985148.1).

ClinVar aggregate classification (germline): Likely benign (1 of 4 stars; one submission).

Conditions:
AKT3-related disorder. Also called: AKT3-related condition.

Submission:

PreventionGenetics, part of Exact Sciences
Classification: Likely benign for AKT3-related condition. Last evaluated: 2025-10-27. Review status: criteria provided, single submitter. Criteria: ACMG Guidelines, 2015. Collection method: clinical testing. Allele origin: germline.
Comment: This variant is classified as likely benign based on ACMG/AMP sequence variant interpretation guidelines (Richards et al. 2015 PMID: 25741868, with internal and published modifications).